The following is an entry in ClinVar:

NM_014915.3(ANKRD26):c.775C>A (p.Pro259Thr)

Gene: ANKRD26 (ankyrin repeat domain containing 26; minus strand). Cytogenetic location: 10p12.1.
Variant type: single nucleotide variant.
Coding change: c.775C>A on transcript NM_014915.3 (MANE Select); coding-DNA position 775, C replaced by A.
Protein change: p.Pro259Thr; replaces proline 259 with threonine.
Molecular consequence: missense variant.
Genome position (GRCh38, 1-based): chr10:27,079,127, G>T on the plus strand (C>A on the coding strand, the complement: ANKRD26 is on the minus strand). VCF-style: chr10-27079127-G-T. GRCh37 (hg19) VCF-style: chr10-27368056-G-T.
Other names: c.775C>A, p.Pro259Thr (NM_001256053.2); short protein forms P259T.
Identifiers: ClinVar variation 4103534 (VCV004103534.1).

ClinVar aggregate classification (germline): Uncertain significance (1 of 4 stars; one submission).

Conditions:
Inborn genetic diseases. Identifiers: MedGen C0950123, MeSH D030342.

Submission:

Ambry Genetics
Classification: Uncertain significance for Inborn genetic diseases. Last evaluated: 2025-07-15. Review status: criteria provided, single submitter. Criteria: Ambry Variant Classification Scheme 2023. Collection method: clinical testing. Allele origin: germline.
Comment: The p.P259T variant (also known as c.775C>A), located in coding exon 7 of the ANKRD26 gene, results from a C to A substitution at nucleotide position 775. The proline at codon 259 is replaced by threonine, an amino acid with highly similar properties. This amino acid position is conserved. In addition, this alteration is predicted to be tolerated by in silico analysis. Based on the available evidence, the clinical significance of this variant remains unclear.